The following is an entry in ClinVar:

NM_198253.3(TERT):c.938C>A (p.Pro313Gln)

Gene: TERT (telomerase reverse transcriptase; minus strand). Cytogenetic location: 5p15.33.
Variant type: single nucleotide variant.
Coding change: c.938C>A on transcript NM_198253.3 (MANE Select); coding-DNA position 938, C replaced by A.
Protein change: p.Pro313Gln; replaces proline 313 with glutamine.
Molecular consequence: missense variant. On other transcripts: non-coding transcript variant (2).
Genome position (GRCh38, 1-based): chr5:1,293,948, G>T on the plus strand (C>A on the coding strand, the complement: TERT is on the minus strand). VCF-style: chr5-1293948-G-T. GRCh37 (hg19) VCF-style: chr5-1294063-G-T.
Other names: c.938C>A, p.Pro313Gln (NM_001193376.3, NM_003219.1); short protein forms P313Q.
Identifiers: ClinVar variation 2932382 (VCV002932382.3), dbSNP rs1751181854, ClinGen allele CA359056119.

ClinVar aggregate classification (germline): Uncertain significance (1 of 4 stars; one submission).

Conditions:
Dyskeratosis congenita, autosomal dominant 2. Identifiers: MedGen C3151443, MONDO:0013521, OMIM 613989.
Idiopathic Pulmonary Fibrosis. Also called: Idiopathic fibrosing alveolitis, chronic form; idiopathic fibrosing alveolitis. Identifiers: Orphanet 2032, MedGen C1800706, MeSH D054990, MONDO:0800504.

Submission:

Labcorp Genetics (formerly Invitae), Labcorp
Classification: Uncertain significance for Dyskeratosis congenita, autosomal dominant 2; Idiopathic Pulmonary Fibrosis. Last evaluated: 2024-01-24. Review status: criteria provided, single submitter. Criteria: Invitae Variant Classification Sherloc (09022015). Collection method: clinical testing. Allele origin: germline.
Comment: This sequence change replaces proline, which is neutral and non-polar, with glutamine, which is neutral and polar, at codon 313 of the TERT protein (p.Pro313Gln). This variant is not present in population databases (gnomAD no frequency). This variant has not been reported in the literature in individuals affected with TERT-related conditions. Algorithms developed to predict the effect of missense changes on protein structure and function output the following: SIFT: "Not Available"; PolyPhen-2: "Benign"; Align-GVGD: "Not Available". The glutamine amino acid residue is found in multiple mammalian species, which suggests that this missense change does not adversely affect protein function. In summary, the available evidence is currently insufficient to determine the role of this variant in disease. Therefore, it has been classified as a Variant of Uncertain Significance.